The following is an entry in ClinVar:

NM_001042492.3(NF1):c.542A>G (p.Gln181Arg)

Gene: NF1 (neurofibromin 1; plus strand). Cytogenetic location: 17q11.2.
Variant type: single nucleotide variant.
Coding change: c.542A>G on transcript NM_001042492.3 (MANE Select); coding-DNA position 542, A replaced by G.
Protein change: p.Gln181Arg; replaces glutamine 181 with arginine.
Molecular consequence: missense variant.
Genome position (GRCh38, 1-based): chr17:31,169,953, A>G. VCF-style: chr17-31169953-A-G. GRCh37 (hg19) VCF-style: chr17-29496971-A-G.
Other names: c.542A>G, p.Gln181Arg (NM_000267.4, NM_001128147.3); short protein forms Q181R.
Identifiers: ClinVar variation 1039009 (VCV001039009.7), dbSNP rs2065904138, ClinGen allele CA398985176.

ClinVar aggregate classification (germline): Uncertain significance. Review status: criteria provided, multiple submitters, no conflicts (2 of 4 stars). 3 submissions from 3 submitters: Uncertain significance (3). Last evaluated 2025-05-28.

Conditions:
Neurofibromatosis, type 1 (NF1). Also called: NEUROFIBROMATOSIS, TYPE I, SOMATIC; VON RECKLINGHAUSEN DISEASE; Peripheral type neurofibromatosis; Neurofibromatosis, type I. Identifiers: Orphanet 636, MedGen C0027831, MONDO:0018975, OMIM 162200. Disease mechanism: loss of function.
Hereditary cancer-predisposing syndrome. Also called: Neoplastic Syndromes, Hereditary; Hereditary Cancer Syndrome; Tumor predisposition; Hereditary neoplastic syndrome. Identifiers: Orphanet 140162, MedGen C0027672, MeSH D009386, MONDO:0015356.
Cardiovascular phenotype. Identifiers: MedGen CN230736.

Submissions (3):

Greenwood Genetic Center Diagnostic Laboratories, Greenwood Genetic Center
Classification: Uncertain significance. Last evaluated: 2025-05-28. Review status: criteria provided, single submitter. Criteria: ACMG Guidelines, 2015. Collection method: clinical testing. Allele origin: germline. Affected: yes.
Comment: PM2, PP2, PP3

Labcorp Genetics (formerly Invitae), Labcorp
Classification: Uncertain significance for Neurofibromatosis, type 1. Last evaluated: 2024-12-15. Review status: criteria provided, single submitter. Criteria: Invitae Variant Classification Sherloc (09022015). Collection method: clinical testing. Allele origin: germline.
Comment: This sequence change replaces glutamine, which is neutral and polar, with arginine, which is basic and polar, at codon 181 of the NF1 protein (p.Gln181Arg). This variant is not present in population databases (gnomAD no frequency). This variant has not been reported in the literature in individuals affected with NF1-related conditions. ClinVar contains an entry for this variant (Variation ID: 1039009). Invitae Evidence Modeling of protein sequence and biophysical properties (such as structural, functional, and spatial information, amino acid conservation, physicochemical variation, residue mobility, and thermodynamic stability) indicates that this missense variant is expected to disrupt NF1 protein function with a positive predictive value of 95%. In summary, the available evidence is currently insufficient to determine the role of this variant in disease. Therefore, it has been classified as a Variant of Uncertain Significance.

Ambry Genetics
Classification: Uncertain significance for Cardiovascular phenotype; Hereditary cancer-predisposing syndrome. Last evaluated: 2023-05-10. Review status: criteria provided, single submitter. Criteria: Ambry Variant Classification Scheme 2023. Collection method: clinical testing. Allele origin: germline.
Comment: The p.Q181R variant (also known as c.542A>G), located in coding exon 5 of the NF1 gene, results from an A to G substitution at nucleotide position 542. The glutamine at codon 181 is replaced by arginine, an amino acid with highly similar properties. This amino acid position is highly conserved in available vertebrate species. In addition, this alteration is predicted to be deleterious by in silico analysis. Since supporting evidence is limited at this time, the clinical significance of this alteration remains unclear.